The following is an entry in ClinVar:

ClinVar aggregate classification (germline): Likely benign. Review status: criteria provided, multiple submitters, no conflicts (2 of 4 stars). 3 submissions from 3 submitters: Likely benign (3). Last evaluated 2024-11-30.

Conditions:
Meckel syndrome, type 5 (MKS5). Identifiers: Orphanet 564, MedGen C1969052, MONDO:0012695, OMIM 611561.
Joubert syndrome 7 (JBTS7). Identifiers: Orphanet 220497, MedGen C1969053, MONDO:0012694, OMIM 611560.
COACH syndrome 3. Identifiers: MedGen C5436841, MONDO:0030862, OMIM 619113.
RPGRIP1L-related disorder. Also called: RPGRIP1L-related condition; RPGRIP1L-related disorders. Identifiers: MedGen CN239416.
Meckel-Gruber syndrome. Also called: DYSENCEPHALIA SPLANCHNOCYSTICA; Dysencephalia splachnocystica; GRUBER SYNDROME. Identifiers: Orphanet 564, MedGen C0265215, MONDO:0018921.
Joubert syndrome. Also called: Familial aplasia of the vermis; JOUBERT-BOLTSHAUSER SYNDROME. Identifiers: Orphanet 475, MedGen C5979921, MONDO:0018772.

Submissions (3):

Labcorp Genetics (formerly Invitae), Labcorp
Classification: Likely benign for Joubert syndrome; Meckel-Gruber syndrome. Last evaluated: 2024-11-30. Review status: criteria provided, single submitter. Criteria: Invitae Variant Classification Sherloc (09022015). Collection method: clinical testing. Allele origin: germline.

PreventionGenetics, part of Exact Sciences
Classification: Likely benign for RPGRIP1L-related condition. Last evaluated: 2024-10-14. Review status: criteria provided, single submitter. Criteria: ACMG Guidelines, 2015. Collection method: clinical testing. Allele origin: germline.
Comment: This variant is classified as likely benign based on ACMG/AMP sequence variant interpretation guidelines (Richards et al. 2015 PMID: 25741868, with internal and published modifications).

Fulgent Genetics
Classification: Likely benign for Joubert syndrome 7; Meckel syndrome, type 5; COACH syndrome 3. Last evaluated: 2022-04-14. Review status: criteria provided, single submitter. Criteria: ACMG Guidelines, 2015. Collection method: clinical testing. Allele origin: unknown.

NM_015272.5(RPGRIP1L):c.2865A>G (p.Thr955=)

Gene: RPGRIP1L (RPGRIP1 like; minus strand). Cytogenetic location: 16q12.2.
Variant type: single nucleotide variant.
Coding change: c.2865A>G on transcript NM_015272.5 (MANE Select); coding-DNA position 2865, A replaced by G.
Protein change: p.Thr955=; no amino-acid change (threonine 955 retained).
Molecular consequence: synonymous variant.
Genome position (GRCh38, 1-based): chr16:53,641,294, T>C on the plus strand (A>G on the coding strand, the complement: RPGRIP1L is on the minus strand). VCF-style: chr16-53641294-T-C. GRCh37 (hg19) VCF-style: chr16-53675206-T-C.
Other names: c.2865A>G (NM_015272.4); c.2865A>G, p.Thr955= (NM_001127897.4, NM_001308334.3, NM_001330538.2).
Identifiers: ClinVar variation 1133286 (VCV001133286.13), dbSNP rs2151058712, ClinGen allele CA495784227.